The following is an entry in ClinVar:

ClinVar aggregate classification (germline): Uncertain significance (1 of 4 stars; one submission).

Conditions:
Congenital myasthenic syndrome 2A. Also called: Myasthenic syndrome, congenital, 2a, slow-channel. Identifiers: Orphanet 590, MedGen C4225374, MONDO:0014581, OMIM 616313.

Submission:

Labcorp Genetics (formerly Invitae), Labcorp
Classification: Uncertain significance for Congenital myasthenic syndrome 2A. Last evaluated: 2022-02-11. Review status: criteria provided, single submitter. Criteria: Invitae Variant Classification Sherloc (09022015). Collection method: clinical testing. Allele origin: germline.
Comment: This variant is not present in population databases (gnomAD no frequency). This sequence change replaces arginine, which is basic and polar, with leucine, which is neutral and non-polar, at codon 242 of the CHRNB1 protein (p.Arg242Leu). This variant has not been reported in the literature in individuals affected with CHRNB1-related conditions. In summary, the available evidence is currently insufficient to determine the role of this variant in disease. Therefore, it has been classified as a Variant of Uncertain Significance. Advanced modeling of protein sequence and biophysical properties (such as structural, functional, and spatial information, amino acid conservation, physicochemical variation, residue mobility, and thermodynamic stability) performed at Invitae indicates that this missense variant is not expected to disrupt CHRNB1 protein function. ClinVar contains an entry for this variant (Variation ID: 835831).

NM_000747.3(CHRNB1):c.725G>T (p.Arg242Leu)

Gene: CHRNB1 (cholinergic receptor nicotinic beta 1 subunit; plus strand). Cytogenetic location: 17p13.1.
Variant type: single nucleotide variant.
Coding change: c.725G>T on transcript NM_000747.3 (MANE Select); coding-DNA position 725, G replaced by T.
Protein change: p.Arg242Leu; replaces arginine 242 with leucine.
Molecular consequence: missense variant.
Genome position (GRCh38, 1-based): chr17:7,448,693, G>T. VCF-style: chr17-7448693-G-T. GRCh37 (hg19) VCF-style: chr17-7352012-G-T.
Other names: short protein forms R242L.
Identifiers: ClinVar variation 835831 (VCV000835831.9), dbSNP rs79220301, ClinGen allele CA397794525.